The following is an entry in ClinVar:

NM_004525.3(LRP2):c.6088C>T (p.Gln2030Ter)

Gene: LRP2 (LDL receptor related protein 2; minus strand). Cytogenetic location: 2q31.1.
Variant type: single nucleotide variant.
Coding change: c.6088C>T on transcript NM_004525.3 (MANE Select); coding-DNA position 6088, C replaced by T.
Protein change: p.Gln2030Ter; replaces glutamine 2030 with a stop codon.
Molecular consequence: nonsense.
Genome position (GRCh38, 1-based): chr2:169,212,160, G>A on the plus strand (C>T on the coding strand, the complement: LRP2 is on the minus strand). VCF-style: chr2-169212160-G-A. GRCh37 (hg19) VCF-style: chr2-170068670-G-A.
Other names: short protein forms Q2030*.
Identifiers: ClinVar variation 5013283 (VCV005013283.1).

ClinVar aggregate classification (germline): Pathogenic (1 of 4 stars; one submission).

Conditions:
Donnai-Barrow syndrome. Also called: DBS/FOAR SYNDROME; FACIOOCULOACOUSTICORENAL SYNDROME. Identifiers: Orphanet 2143, MedGen C1857277, MONDO:0009104, OMIM 222448.

Submission:

Myriad Genetics, Inc.
Classification: Pathogenic for Donnai-Barrow syndrome. Last evaluated: 2024-07-05. Review status: criteria provided, single submitter. Criteria: Myriad Autosomal Dominant, Autosomal Recessive and X-Linked Classification Criteria (2023). Collection method: clinical testing. Allele origin: unknown.
Comment: NM_004525.2(LRP2):c.6088C>T(Q2030*) is expected to be pathogenic in the context of Donnai-Barrow syndrome. This variant is predicted to lead to an abnormal or absent protein product due to the creation of a premature termination codon in LRP2, a gene where loss-of-function variants are known to be pathogenic. Please note: this variant was assessed in the context of healthy population screening.